The following is an entry in ClinVar:

ClinVar aggregate classification (germline): Uncertain significance (1 of 4 stars; one submission).

Conditions:
MHC class II deficiency. Also called: BLS, TYPE II; Bare lymphocyte syndrome 2. Identifiers: Orphanet 572, MedGen C5447452, MONDO:0008855.

gnomAD v4.1: 2 of 1,614,116 alleles (0.00012%); highest among the groups gnomAD compares: Non-Finnish European, 0.00017%; no homozygotes.

Submission:

Labcorp Genetics (formerly Invitae), Labcorp
Classification: Uncertain significance for MHC class II deficiency. Last evaluated: 2025-02-11. Review status: criteria provided, single submitter. Criteria: Invitae Variant Classification Sherloc (09022015). Collection method: clinical testing. Allele origin: germline.
Comment: This sequence change replaces proline, which is neutral and non-polar, with histidine, which is basic and polar, at codon 267 of the CIITA protein (p.Pro267His). This variant is not present in population databases (gnomAD no frequency). This variant has not been reported in the literature in individuals affected with CIITA-related conditions. ClinVar contains an entry for this variant (Variation ID: 1058679). An algorithm developed to predict the effect of missense changes on protein structure and function (PolyPhen-2) suggests that this variant is likely to be disruptive. In summary, the available evidence is currently insufficient to determine the role of this variant in disease. Therefore, it has been classified as a Variant of Uncertain Significance.

NM_000246.4(CIITA):c.800C>A (p.Pro267His)

Gene: CIITA (class II major histocompatibility complex transactivator; plus strand). Cytogenetic location: 16p13.13.
Variant type: single nucleotide variant.
Coding change: c.800C>A on transcript NM_000246.4 (MANE Select); coding-DNA position 800, C replaced by A.
Protein change: p.Pro267His; replaces proline 267 with histidine.
Molecular consequence: missense variant. On other transcripts: non-coding transcript variant (1).
Genome position (GRCh38, 1-based): chr16:10,903,758, C>A. VCF-style: chr16-10903758-C-A. GRCh37 (hg19) VCF-style: chr16-10997615-C-A.
Other names: c.803C>A, p.Pro268His (NM_001286402.1, NM_001379332.1); c.653C>A, p.Pro218His (NM_001286403.2, NM_001379331.1); c.656C>A, p.Pro219His (NM_001379330.1); c.800C>A, p.Pro267His (NM_001379333.1); c.731C>A, p.Pro244His (NM_001379334.1); short protein forms P218H, P219H, P244H, P267H, P268H.
Identifiers: ClinVar variation 1058679 (VCV001058679.9), dbSNP rs1177628564, ClinGen allele CA394729141.